The following is an entry in ClinVar:

ClinVar aggregate classification (germline): Uncertain significance. Review status: criteria provided, multiple submitters, no conflicts (2 of 4 stars). 2 submissions from 2 submitters: Uncertain significance (2). Last evaluated 2025-11-03.

Allele frequency attached by ClinVar (database versions not stated): gnomAD 0.00003 and 0.00004; gnomAD exomes 0.00005 and 0.00007; TOPMed 0.00005; ExAC 0.00010.

Submissions (2):

Labcorp Genetics (formerly Invitae), Labcorp
Classification: Uncertain significance. Last evaluated: 2025-11-03. Review status: criteria provided, single submitter. Criteria: Invitae Variant Classification Sherloc (09022015). Collection method: clinical testing. Allele origin: germline.
Comment: This sequence change replaces alanine, which is neutral and non-polar, with valine, which is neutral and non-polar, at codon 45 of the RNF31 protein (p.Ala45Val). This variant is present in population databases (rs759183245, gnomAD 0.01%). This variant has not been reported in the literature in individuals affected with RNF31-related conditions. ClinVar contains an entry for this variant (Variation ID: 1054336). An algorithm developed to predict the effect of missense changes on protein structure and function (PolyPhen-2) suggests that this variant is likely to be tolerated. In summary, the available evidence is currently insufficient to determine the role of this variant in disease. Therefore, it has been classified as a Variant of Uncertain Significance.

Ambry Genetics
Classification: Uncertain significance. Last evaluated: 2023-06-05. Review status: criteria provided, single submitter. Criteria: Ambry Variant Classification Scheme 2023. Collection method: clinical testing. Allele origin: germline.

NM_017999.5(RNF31):c.134C>T (p.Ala45Val)

Gene: RNF31 (ring finger protein 31; plus strand). Cytogenetic location: 14q12.
Variant type: single nucleotide variant.
Coding change: c.134C>T on transcript NM_017999.5 (MANE Select); coding-DNA position 134, C replaced by T.
Protein change: p.Ala45Val; replaces alanine 45 with valine.
Molecular consequence: missense variant. On other transcripts: intron variant (1).
Genome position (GRCh38, 1-based): chr14:24,147,832, C>T. VCF-style: chr14-24147832-C-T. GRCh37 (hg19) VCF-style: chr14-24617041-C-T.
Other names: c.-325-144C>T (NM_001310332.2); c.134C>T (NM_017999.4); short protein forms A45V.
Identifiers: ClinVar variation 1054336 (VCV001054336.8), dbSNP rs759183245, ClinGen allele CA7125367.
Genomic context (GRCh38, chr14:24,147,832, plus strand): 5'-CCGGGCAGGCGTTTTCCCTGGAGCAGCTCCGGCCGCTACTAGCCAGCTCTCTGCCGCTAG[C>T]CGCCCGCTACCTGCAGCTGGACGCCGCACGCCTTGTCCGCTGCAACGCTCATGGGGAGGT-3'
Protein context (NP_060469.4, residues 35-55): RPLLASSLPL[Ala45Val]ARYLQLDAAR